The following is an entry in ClinVar:

ClinVar aggregate classification (germline): Uncertain significance (1 of 4 stars; one submission).

Conditions:
Inflammatory bowel disease 28. Also called: Inflammatory bowel disease 28, early onset, autosomal recessive. Identifiers: Orphanet 238569, MedGen C2751053, MONDO:0013153, OMIM 613148.

Submission:

Labcorp Genetics (formerly Invitae), Labcorp
Classification: Uncertain significance for Inflammatory bowel disease 28. Last evaluated: 2022-07-25. Review status: criteria provided, single submitter. Criteria: Invitae Variant Classification Sherloc (09022015). Collection method: clinical testing. Allele origin: germline.
Comment: Algorithms developed to predict the effect of missense changes on protein structure and function (SIFT, PolyPhen-2, Align-GVGD) all suggest that this variant is likely to be disruptive. ClinVar contains an entry for this variant (Variation ID: 1490173). This variant has not been reported in the literature in individuals affected with IL10RA-related conditions. This variant is not present in population databases (gnomAD no frequency). This sequence change replaces isoleucine, which is neutral and non-polar, with asparagine, which is neutral and polar, at codon 139 of the IL10RA protein (p.Ile139Asn). In summary, the available evidence is currently insufficient to determine the role of this variant in disease. Therefore, it has been classified as a Variant of Uncertain Significance.

NM_001558.4(IL10RA):c.416T>A (p.Ile139Asn)

Gene: IL10RA (interleukin 10 receptor subunit alpha; plus strand). Cytogenetic location: 11q23.3.
Variant type: single nucleotide variant.
Coding change: c.416T>A on transcript NM_001558.4 (MANE Select); coding-DNA position 416, T replaced by A.
Protein change: p.Ile139Asn; replaces isoleucine 139 with asparagine.
Molecular consequence: missense variant. On other transcripts: non-coding transcript variant (1).
Genome position (GRCh38, 1-based): chr11:117,993,289, T>A. VCF-style: chr11-117993289-T-A. GRCh37 (hg19) VCF-style: chr11-117864004-T-A.
Other names: short protein forms I139N.
Identifiers: ClinVar variation 1490173 (VCV001490173.8), dbSNP rs775703417, ClinGen allele CA382774518.